The following is an entry in ClinVar:

NM_000642.3(AGL):c.1280C>T (p.Thr427Ile)

Gene: AGL (amylo-alpha-1,6-glucosidase and 4-alpha-glucanotransferase; plus strand). Cytogenetic location: 1p21.2.
Variant type: single nucleotide variant.
Coding change: c.1280C>T on transcript NM_000642.3 (MANE Select); coding-DNA position 1280, C replaced by T.
Protein change: p.Thr427Ile; replaces threonine 427 with isoleucine.
Molecular consequence: missense variant.
Genome position (GRCh38, 1-based): chr1:99,875,452, C>T. VCF-style: chr1-99875452-C-T. GRCh37 (hg19) VCF-style: chr1-100341008-C-T.
Other names: c.1280C>T, p.Thr427Ile (NM_000028.3, NM_000643.3, NM_000644.3 and 2 more transcripts); c.1232C>T, p.Thr411Ile (NM_000646.3); c.1076C>T, p.Thr359Ile (NM_001425328.1, NM_001425329.1); c.902C>T, p.Thr301Ile (NM_001425332.1); short protein forms T411I, T427I, T301I, T359I.
Identifiers: ClinVar variation 842532 (VCV000842532.9), dbSNP rs897697440, ClinGen allele CA27574335.

ClinVar aggregate classification (germline): Uncertain significance. Review status: criteria provided, multiple submitters, no conflicts (2 of 4 stars). 5 submissions from 5 submitters: Uncertain significance (4). 1 of the submissions does not count toward it. Last evaluated 2023-04-11.

Conditions:
Glycogen storage disease type III (GSD3). Also called: FORBES DISEASE; Cori disease. Identifiers: Orphanet 366, MedGen C0017922, MONDO:0009291, OMIM 232400.
Inborn genetic diseases. Identifiers: MedGen C0950123, MeSH D030342.

Allele frequency attached by ClinVar (database versions not stated): gnomAD exomes below 0.00001; gnomAD 0.00001 and 0.00002; TOPMed 0.00001.
gnomAD v4.1: 9 of 1,613,728 alleles (0.00056%); highest among the groups gnomAD compares: African/African-American, 0.0027%; no homozygotes.

Submissions (5):

Genome-Nilou Lab
Classification: Uncertain significance for Glycogen storage disease type III. Last evaluated: 2023-04-11. Review status: criteria provided, single submitter. Criteria: ACMG Guidelines, 2015. Collection method: clinical testing. Allele origin: germline. Affected: no.

Ambry Genetics
Classification: Uncertain significance for Inborn genetic diseases. Last evaluated: 2022-04-29. Review status: criteria provided, single submitter. Criteria: Ambry Variant Classification Scheme 2023. Collection method: clinical testing. Allele origin: germline.

Labcorp Genetics (formerly Invitae), Labcorp
Classification: Uncertain significance for Glycogen storage disease type III. Last evaluated: 2021-08-30. Review status: criteria provided, single submitter. Criteria: Invitae Variant Classification Sherloc (09022015). Collection method: clinical testing. Allele origin: germline.
Comment: This sequence change replaces threonine with isoleucine at codon 427 of the AGL protein (p.Thr427Ile). The threonine residue is moderately conserved and there is a moderate physicochemical difference between threonine and isoleucine. This variant is not present in population databases (ExAC no frequency). This variant has not been reported in the literature in individuals affected with AGL-related conditions. Algorithms developed to predict the effect of missense changes on protein structure and function (SIFT, PolyPhen-2, Align-GVGD) all suggest that this variant is likely to be tolerated. In summary, the available evidence is currently insufficient to determine the role of this variant in disease. Therefore, it has been classified as a Variant of Uncertain Significance.

Department of Pathology and Laboratory Medicine, Sinai Health System
Classification: Uncertain significance for glycogen storage disease III. Last evaluated: 2020-07-20. Review status: criteria provided, single submitter. Criteria: ACMG Guidelines, 2015. Collection method: research. Allele origin: germline.

Natera, Inc.
Classification: Uncertain significance for Glycogen storage disease type III. Last evaluated: 2020-02-16. Review status: no assertion criteria provided. Collection method: clinical testing. Allele origin: germline. Not counted in ClinVar's aggregate classification.